The following is an entry in ClinVar:

NM_001326411.2(PISD):c.944T>G (p.Phe315Cys)

Gene: PISD (phosphatidylserine decarboxylase; minus strand). Cytogenetic location: 22q12.2.
Variant type: single nucleotide variant.
Coding change: c.944T>G on transcript NM_001326411.2 (MANE Select); coding-DNA position 944, T replaced by G.
Protein change: p.Phe315Cys; replaces phenylalanine 315 with cysteine.
Molecular consequence: missense variant. On other transcripts: intron variant (3).
Genome position (GRCh38, 1-based): chr22:31,620,614, A>C on the plus strand (T>G on the coding strand, the complement: PISD is on the minus strand). VCF-style: chr22-31620614-A-C. GRCh37 (hg19) VCF-style: chr22-32016600-A-C.
Other names: c.881T>G, p.Phe294Cys (NM_001326412.1, NM_001326413.2, NM_001326414.2); c.842T>G, p.Phe281Cys (NM_001326415.2, NM_001326416.2, NM_001326417.2 and 2 more transcripts); c.764T>G, p.Phe255Cys (NM_001326418.2); c.844+382T>G (NM_001326421.1); c.665-15T>G (NM_001326420.2); c.743-15T>G (NM_001326419.2); short protein forms F255C, F281C, F294C, F315C.
Identifiers: ClinVar variation 3628951 (VCV003628951.1).

ClinVar aggregate classification (germline): Uncertain significance (1 of 4 stars; one submission).

gnomAD v4.1: 6 of 1,614,124 alleles (0.00037%); highest among the groups gnomAD compares: Admixed American, 0.0067%; no homozygotes.

Submission:

Labcorp Genetics (formerly Invitae), Labcorp
Classification: Uncertain significance. Last evaluated: 2024-07-03. Review status: criteria provided, single submitter. Criteria: Invitae Variant Classification Sherloc (09022015). Collection method: clinical testing. Allele origin: germline.
Comment: This sequence change replaces phenylalanine, which is neutral and non-polar, with cysteine, which is neutral and slightly polar, at codon 315 of the PISD protein (p.Phe315Cys). This variant is present in population databases (no rsID available, gnomAD 0.006%). This variant has not been reported in the literature in individuals affected with PISD-related conditions. Advanced modeling of protein sequence and biophysical properties (such as structural, functional, and spatial information, amino acid conservation, physicochemical variation, residue mobility, and thermodynamic stability) performed at Invitae indicates that this missense variant is expected to disrupt PISD protein function with a positive predictive value of 80%. In summary, the available evidence is currently insufficient to determine the role of this variant in disease. Therefore, it has been classified as a Variant of Uncertain Significance.